The following is an entry in ClinVar:

ClinVar aggregate classification (germline): Uncertain significance (1 of 4 stars; one submission).

Conditions:
RDH11-related disorder. Also called: RDH11-related condition.

Submission:

PreventionGenetics, part of Exact Sciences
Classification: Uncertain significance for RDH11-related condition. Last evaluated: 2024-12-13. Review status: criteria provided, single submitter. Criteria: ACMG Guidelines, 2015. Collection method: clinical testing. Allele origin: germline.
Comment: The RDH11 c.661A>G variant is predicted to result in the amino acid substitution p.Lys221Glu. To our knowledge, this variant has not been reported in the literature or in a large population database (gnomAD), indicating this variant is rare. At this time, the clinical significance of this variant is uncertain due to the absence of conclusive functional and genetic evidence.

NM_016026.4(RDH11):c.661A>G (p.Lys221Glu)

Genes: GPHN (gephyrin; plus strand), RDH11 (retinol dehydrogenase 11; minus strand). Cytogenetic location: 14q24.1.
Variant type: single nucleotide variant.
Coding change: c.661A>G on transcript NM_016026.4 (MANE Select); coding-DNA position 661, A replaced by G.
Protein change: p.Lys221Glu; replaces lysine 221 with glutamic acid.
Molecular consequence: missense variant. On other transcripts: intron variant (1).
Genome position (GRCh38, 1-based): chr14:67,690,215, T>C on the plus strand (A>G on the coding strand, the complement: RDH11 is on the minus strand). VCF-style: chr14-67690215-T-C. GRCh37 (hg19) VCF-style: chr14-68156932-T-C.
Other names: c.454+925A>G (NM_001252650.2); short protein forms K221E.
Identifiers: ClinVar variation 5002270 (VCV005002270.1).